The following is an entry in ClinVar:

NM_002661.5(PLCG2):c.598G>C (p.Glu200Gln)

Gene: PLCG2 (phospholipase C gamma 2; plus strand). Cytogenetic location: 16q23.3.
Variant type: single nucleotide variant.
Coding change: c.598G>C on transcript NM_002661.5 (MANE Select); coding-DNA position 598, G replaced by C.
Protein change: p.Glu200Gln; replaces glutamic acid 200 with glutamine.
Molecular consequence: missense variant.
Genome position (GRCh38, 1-based): chr16:81,870,885, G>C. VCF-style: chr16-81870885-G-C. GRCh37 (hg19) VCF-style: chr16-81904490-G-C.
Other names: short protein forms E200Q.
Identifiers: ClinVar variation 1972469 (VCV001972469.5), dbSNP rs2507557340, ClinGen allele CA396903290.

ClinVar aggregate classification (germline): Uncertain significance (1 of 4 stars; one submission).

Conditions:
Familial cold autoinflammatory syndrome 3 (FCAS3). Also called: FAMILIAL ATYPICAL COLD URTICARIA; ANTIBODY DEFICIENCY AND IMMUNE DYSREGULATION, PLCG2-ASSOCIATED. Identifiers: Orphanet 300359, MedGen C3280914, MONDO:0013766, OMIM 614468.

Submission:

Labcorp Genetics (formerly Invitae), Labcorp
Classification: Uncertain significance for Familial cold autoinflammatory syndrome 3. Last evaluated: 2022-07-30. Review status: criteria provided, single submitter. Criteria: Invitae Variant Classification Sherloc (09022015). Collection method: clinical testing. Allele origin: germline.
Comment: This sequence change replaces glutamic acid, which is acidic and polar, with glutamine, which is neutral and polar, at codon 200 of the PLCG2 protein (p.Glu200Gln). This variant is not present in population databases (gnomAD no frequency). This variant has not been reported in the literature in individuals affected with PLCG2-related conditions. Algorithms developed to predict the effect of missense changes on protein structure and function are either unavailable or do not agree on the potential impact of this missense change (SIFT: "Tolerated"; PolyPhen-2: "Probably Damaging"; Align-GVGD: "Class C0"). In summary, the available evidence is currently insufficient to determine the role of this variant in disease. Therefore, it has been classified as a Variant of Uncertain Significance.